The following is an entry in ClinVar:

NM_000062.3(SERPING1):c.1030-1513del

Gene: SERPING1 (serpin family G member 1; plus strand). Cytogenetic location: 11q12.1.
Variant type: Deletion.
Coding change: c.1030-1513del on transcript NM_000062.3 (MANE Select); 1513 bases into the intron before coding-DNA position 1030, one base deleted (T; older notation c.1030-1513delT).
Molecular consequence: intron variant.
Genome position (GRCh38, 1-based): chr11:57,610,204, T deleted. VCF-style (leftmost placement, unchanged base first): chr11-57610203-CT-C. GRCh37 (hg19) VCF-style: chr11-57377676-CT-C.
Other names: c.1030-1513del (NM_001032295.2).
Identifiers: ClinVar variation 983231 (VCV000983231.2), dbSNP rs1184255008, ClinGen allele CA599664850.

ClinVar aggregate classification (germline): Benign (1 of 4 stars; one submission).

Conditions:
Hereditary angioedema type 1 (HAE1). Identifiers: Orphanet 100050, Orphanet 100051, Orphanet 91378, MedGen C2717906, MONDO:0015053, OMIM 106100.

Allele frequency attached by ClinVar (database versions not stated): gnomAD 0.00002; TOPMed 0.00003.

Submission:

CeMIA
Classification: Benign for Hereditary angioedema type 1. Review status: criteria provided, single submitter. Criteria: ACMG Guidelines, 2015. Collection method: clinical testing. Allele origin: germline. Affected: yes.
Comment: This variant is considered likely benign or benign based on one or more of the following criteria: allele frequency is >5% in Exome Sequencing Project, 1000 Genomes Project, or Exome Aggregation Consortium (BA1), allele frequency is greater than expected for disorder (BS1), it is observed in a healthy adult individual (BS2), it is predicted to be benign by multiple in silico algorithms (BP4), it is found in a case with an alternate molecular basis for the disease (BP5) and/or reputable source recently reports variant as benign (BP6).

Literature cited by the submitters: PubMed 31959500.